The following is an entry in ClinVar:

ClinVar aggregate classification (germline): Uncertain significance (1 of 4 stars; one submission).

Submission:

Labcorp Genetics (formerly Invitae), Labcorp
Classification: Uncertain significance. Last evaluated: 2025-03-18. Review status: criteria provided, single submitter. Criteria: Invitae Variant Classification Sherloc (09022015). Collection method: clinical testing. Allele origin: germline.
Comment: This sequence change creates a premature translational stop signal (p.Met165Cysfs*12) in the KANK4 gene. It is expected to result in an absent or disrupted protein product. However, the current clinical and genetic evidence is not sufficient to establish whether loss-of-function variants in KANK4 cause disease. This variant is not present in population databases (gnomAD no frequency). This variant has not been reported in the literature in individuals affected with KANK4-related conditions. In summary, the available evidence is currently insufficient to determine the role of this variant in disease. Therefore, it has been classified as a Variant of Uncertain Significance.

NM_181712.5(KANK4):c.493_505del (p.Met165fs)

Gene: KANK4 (KN motif and ankyrin repeat domains 4; minus strand). Cytogenetic location: 1p31.3.
Variant type: Deletion.
Coding change: c.493_505del on transcript NM_181712.5 (MANE Select); coding-DNA positions 493 to 505, 13 bases deleted (ATGCCTGCCACGC).
Protein change: p.Met165fs; shifts the reading frame from methionine 165.
Molecular consequence: frameshift variant. On other transcripts: intron variant (1).
Genome position (GRCh38, 1-based): chr1:62,274,599-62,274,611, GCGTGGCAGGCAT deleted on the plus strand (ATGCCTGCCACGC on the coding strand, the reverse complement: KANK4 is on the minus strand); deleting any 13 consecutive bases within chr1:62,274,599-62,274,613 gives the same sequence; the c. name uses the placement nearest the transcript's 3' end. VCF-style (leftmost placement, unchanged base first): chr1-62274598-AGCGTGGCAGGCAT-A. GRCh37 (hg19) VCF-style: chr1-62740270-AGCGTGGCAGGCAT-A.
Other names: c.17-3022_17-3010del (NM_001320269.2); short protein forms M165fs.
Identifiers: ClinVar variation 4807417 (VCV004807417.1).